The following is an entry in ClinVar:

NM_002335.4(LRP5):c.1264G>T (p.Ala422Ser)

Gene: LRP5 (LDL receptor related protein 5; plus strand). Cytogenetic location: 11q13.2.
Variant type: single nucleotide variant.
Coding change: c.1264G>T on transcript NM_002335.4 (MANE Select); coding-DNA position 1264, G replaced by T.
Protein change: p.Ala422Ser; replaces alanine 422 with serine.
Molecular consequence: missense variant. On other transcripts: 5 prime UTR variant (1).
Genome position (GRCh38, 1-based): chr11:68,386,564, G>T. VCF-style: chr11-68386564-G-T. GRCh37 (hg19) VCF-style: chr11-68154032-G-T.
Other names: c.-502G>T (NM_001291902.2); short protein forms A422S.
Identifiers: ClinVar variation 968901 (VCV000968901.9), dbSNP rs774342727, ClinGen allele CA6149285.

ClinVar aggregate classification (germline): Likely pathogenic. Review status: criteria provided, multiple submitters, no conflicts (2 of 4 stars). 2 submissions from 2 submitters: Likely pathogenic (2). Last evaluated 2024-10-07.

Conditions:
LRP5-related disorder. Also called: LRP5-related condition.

Allele frequency attached by ClinVar (database versions not stated): ExAC 0.00003.

Submissions (2):

Blueprint Genetics
Classification: Likely pathogenic for LRP5-related disorders. Last evaluated: 2024-10-07. Review status: criteria provided, single submitter. Criteria: ACMG Guidelines, 2015. Collection method: clinical testing. Allele origin: germline. Affected: yes. Observed: 5 variant alleles.

Labcorp Genetics (formerly Invitae), Labcorp
Classification: Likely pathogenic. Last evaluated: 2023-07-03. Review status: criteria provided, single submitter. Criteria: Invitae Variant Classification Sherloc (09022015). Collection method: clinical testing. Allele origin: germline.
Comment: In summary, the currently available evidence indicates that the variant is pathogenic, but additional data are needed to prove that conclusively. Therefore, this variant has been classified as Likely Pathogenic. This variant disrupts the p.Ala422 amino acid residue in LRP5. Other variant(s) that disrupt this residue have been determined to be pathogenic (PMID: 24715757, 25711638, 31987760). This suggests that this residue is clinically significant, and that variants that disrupt this residue are likely to be disease-causing. Advanced modeling of protein sequence and biophysical properties (such as structural, functional, and spatial information, amino acid conservation, physicochemical variation, residue mobility, and thermodynamic stability) performed at Invitae indicates that this missense variant is expected to disrupt LRP5 protein function. ClinVar contains an entry for this variant (Variation ID: 968901). This variant has not been reported in the literature in individuals affected with LRP5-related conditions. This variant is present in population databases (rs774342727, gnomAD 0.004%). This sequence change replaces alanine, which is neutral and non-polar, with serine, which is neutral and polar, at codon 422 of the LRP5 protein (p.Ala422Ser).

Literature cited by the submitters: PubMed 24715757 (cited by Labcorp Genetics (formerly Invitae), Labcorp); PubMed 25711638 (cited by Labcorp Genetics (formerly Invitae), Labcorp); PubMed 31987760 (cited by Labcorp Genetics (formerly Invitae), Labcorp).